The following is an entry in ClinVar:

NM_005996.4(TBX3):c.2172G>A (p.Ter724=)

Gene: TBX3 (T-box transcription factor 3; minus strand). Cytogenetic location: 12q24.21.
Variant type: single nucleotide variant.
Coding change: c.2172G>A on transcript NM_005996.4 (MANE Select); coding-DNA position 2172, G replaced by A.
Protein change: p.Ter724=.
Molecular consequence: synonymous variant.
Genome position (GRCh38, 1-based): chr12:114,671,841, C>T on the plus strand (G>A on the coding strand, the complement: TBX3 is on the minus strand). VCF-style: chr12-114671841-C-T. GRCh37 (hg19) VCF-style: chr12-115109646-C-T.
Other names: c.2232G>A (NM_016569.3); c.2232G>A, p.Ter744= (NM_016569.4).
Identifiers: ClinVar variation 3712696 (VCV003712696.3).

ClinVar aggregate classification (germline): Likely benign. Review status: criteria provided, multiple submitters, no conflicts (2 of 4 stars). 2 submissions from 2 submitters: Likely benign (2). Last evaluated 2026-03-19.

Conditions:
TBX3-related disorder. Also called: TBX3-related condition.
Ulnar-mammary syndrome (UMS). Also called: Ulnar-mammary syndrome of Pallister; SCHINZEL SYNDROME; PALLISTER ULNAR-MAMMARY SYNDROME. Identifiers: Orphanet 3138, MedGen C1866994, MONDO:0008411, OMIM 181450.

gnomAD v4.1: 3 of 1,554,256 alleles (0.00019%); highest among the groups gnomAD compares: African/African-American, 0.0041%; no homozygotes.

Submissions (2):

PreventionGenetics, part of Exact Sciences
Classification: Likely benign for TBX3-related condition. Last evaluated: 2026-03-19. Review status: criteria provided, single submitter. Criteria: ACMG Guidelines, 2015. Collection method: clinical testing. Allele origin: germline.
Comment: This variant is classified as likely benign based on ACMG/AMP sequence variant interpretation guidelines (Richards et al. 2015 PMID: 25741868, with internal and published modifications).

Labcorp Genetics (formerly Invitae), Labcorp
Classification: Likely benign for Ulnar-mammary syndrome. Last evaluated: 2024-07-12. Review status: criteria provided, single submitter. Criteria: Invitae Variant Classification Sherloc (09022015). Collection method: clinical testing. Allele origin: germline.